The following is an entry in ClinVar:

NM_001184.4(ATR):c.1464G>T (p.Glu488Asp)

Gene: ATR (ATR serine/threonine kinase; minus strand). Cytogenetic location: 3q23.
Variant type: single nucleotide variant.
Coding change: c.1464G>T on transcript NM_001184.4 (MANE Select); coding-DNA position 1464, G replaced by T.
Protein change: p.Glu488Asp; replaces glutamic acid 488 with aspartic acid.
Molecular consequence: missense variant. On other transcripts: intron variant (1).
Genome position (GRCh38, 1-based): chr3:142,560,340, C>A on the plus strand (G>T on the coding strand, the complement: ATR is on the minus strand). VCF-style: chr3-142560340-C-A. GRCh37 (hg19) VCF-style: chr3-142279182-C-A.
Other names: c.1350-899G>T (NM_001354579.2); short protein forms E488D.
Identifiers: ClinVar variation 858734 (VCV000858734.9), dbSNP rs761059939, ClinGen allele CA2650592.

ClinVar aggregate classification (germline): Uncertain significance. Review status: criteria provided, single submitter (1 of 4 stars). 2 submissions from 2 submitters: Uncertain significance (1). 1 of the submissions does not count toward it. Last evaluated 2024-11-06.

Conditions:
ATR-related disorder. Also called: ATR-related condition.

Allele frequency attached by ClinVar (database versions not stated): gnomAD exomes 0.00001; TOPMed 0.00001; ExAC 0.00002; gnomAD 0.00002.
gnomAD v4.1: 15 of 1,613,758 alleles (0.00093%); highest among the groups gnomAD compares: Non-Finnish European, 0.0012%; no homozygotes.

Submissions (2):

Labcorp Genetics (formerly Invitae), Labcorp
Classification: Uncertain significance. Last evaluated: 2024-11-06. Review status: criteria provided, single submitter. Criteria: Invitae Variant Classification Sherloc (09022015). Collection method: clinical testing. Allele origin: germline.
Comment: This sequence change replaces glutamic acid, which is acidic and polar, with aspartic acid, which is acidic and polar, at codon 488 of the ATR protein (p.Glu488Asp). This variant is present in population databases (rs761059939, gnomAD 0.002%). This variant has not been reported in the literature in individuals affected with ATR-related conditions. ClinVar contains an entry for this variant (Variation ID: 858734). An algorithm developed to predict the effect of missense changes on protein structure and function (PolyPhen-2) suggests that this variant¬†is likely to be tolerated. In summary, the available evidence is currently insufficient to determine the role of this variant in disease. Therefore, it has been classified as a Variant of Uncertain Significance.

PreventionGenetics, part of Exact Sciences
Classification: Uncertain significance for ATR-related condition. Last evaluated: 2024-06-11. Review status: no assertion criteria provided. Collection method: clinical testing. Allele origin: germline. Not counted in ClinVar's aggregate classification.
Comment: The ATR c.1464G>T variant is predicted to result in the amino acid substitution p.Glu488Asp. To our knowledge, this variant has not been reported in the literature. This variant is reported in 0.0015% of alleles in individuals of European (Non-Finnish) descent in gnomAD. At this time, the clinical significance of this variant is uncertain due to the absence of conclusive functional and genetic evidence.